The following is an entry in ClinVar:

ClinVar aggregate classification (germline): Benign. Review status: reviewed by expert panel (3 of 4 stars). 10 submissions from 10 submitters: Benign (1). 9 of the submissions do not count toward it. Last evaluated 2024-12-05.

Conditions:
Mucopolysaccharidosis type 1. Also called: Mucopolysaccharidosis Type I; IDUA deficiency; MPS I. Identifiers: Orphanet 579, MedGen C0023786, MONDO:0001586.

Allele frequency attached by ClinVar (database versions not stated): gnomAD exomes 0.00030 and 0.00084; ExAC 0.00098; 1000 Genomes Project 0.00220; 1000 Genomes Project 30x 0.00250; gnomAD 0.00267 and 0.00289; TOPMed 0.00289; ESP Exome Variant Server 0.00292.
gnomAD v4.1: 868 of 1,612,706 alleles (0.054%); highest among the groups gnomAD compares: African/African-American, 0.94%; 3 homozygotes.

Submissions (13):

ClinGen Lysosomal Storage Disorder Variant Curation Expert Panel
Classification: Benign for Mucopolysaccharidosis type 1. Last evaluated: 2024-12-05. Review status: reviewed by expert panel. Criteria: ClinGen LSD ACMG Specifications IDUA V1.0.0. Collection method: curation. Allele origin: germline. Inheritance: Autosomal recessive inheritance.
Comment: The NM_000203.5:c.346G>A variant in IDUA is a missense variant predicted to cause substitution of Glycine by Arginine at amino acid 116 (p.Gly116Arg). The Grpmax Filtering Allele Frequency (95% confidence) in gnomAD v4.1.0. is 0.008817 in the African / African American population. This is higher than the ClinGen Lysosomal Diseases VCEP’s threshold for BA1 (>0.005), and therefore meets this criterion (BA1). There is a ClinVar entry for this variant (Variation ID: 712837). In summary, this variant meets the criteria to be classified as benign for MPS I based on the IDUA-specific ACMG/AMP criteria applied, as specified by the ClinGen Lysosomal Diseases Variant Curation Expert Panel (Specifications Version 1.0.0.: BA1. (Classification approved by the ClinGen Lysosomal Diseases Variant Curation Expert Panel on December 5, 2024)

Labcorp Genetics (formerly Invitae), Labcorp
Classification: Benign for Mucopolysaccharidosis type 1. Last evaluated: 2026-01-31. Review status: criteria provided, single submitter. Criteria: Invitae Variant Classification Sherloc (09022015). Collection method: clinical testing. Allele origin: germline. Not counted in ClinVar's aggregate classification.

Blueprint Genetics
Classification: Likely benign. Last evaluated: 2024-11-04. Review status: criteria provided, single submitter. Criteria: ACMG Guidelines, 2015. Collection method: clinical testing. Allele origin: germline. Not counted in ClinVar's aggregate classification.

CeGaT Center for Human Genetics Tuebingen
Classification: Likely benign. Last evaluated: 2023-03-01. Review status: criteria provided, single submitter. Criteria: CeGaT Center For Human Genetics Tuebingen Variant Classification Criteria Version 2. Collection method: clinical testing. Allele origin: germline. Affected: yes. Observed: 1 variant allele. Not counted in ClinVar's aggregate classification.
Comment: IDUA: BP4, BS1

GeneDx
Classification: Likely benign. Last evaluated: 2020-05-09. Review status: criteria provided, single submitter. Criteria: GeneDx Variant Classification Process June 2021. Collection method: clinical testing. Allele origin: germline. Affected: yes. Not counted in ClinVar's aggregate classification.

Illumina Laboratory Services, Illumina
Classification: Benign for Mucopolysaccharidosis type 1. Last evaluated: 2017-04-28. Review status: criteria provided, single submitter. Criteria: ICSL Variant Classification Criteria 13 December 2019. Collection method: clinical testing. Allele origin: germline. Not counted in ClinVar's aggregate classification.
Comment: This variant was observed as part of a predisposition screen in an ostensibly healthy population. A literature search was performed for the gene, cDNA change, and amino acid change (where applicable). Publications were found based on this search. The evidence from the literature, in combination with allele frequency data from public databases where available, was sufficient to rule this variant out of causing disease. Therefore, this variant is classified as benign.

Natera, Inc.
Classification: Likely benign for Mucopolysaccharidosis type I. Last evaluated: 2017-05-06. Review status: no assertion criteria provided. Collection method: clinical testing. Allele origin: germline. Not counted in ClinVar's aggregate classification.

Department of Pathology and Laboratory Medicine, Sinai Health System
Classification: Likely benign. Review status: no assertion criteria provided. Collection method: clinical testing. Allele origin: unknown. Affected: yes. Study: The Canadian Open Genetics Repository (COGR). Not counted in ClinVar's aggregate classification.
Comment: The IDUA p.G116R variant was identified in one heterozygous individual with mucopolysaccharidosis type I; however, this individual was also homozygous for a frameshift variant in the same gene (Bunge_1994_PMID: 7951228). The variant was identified in dbSNP (ID: rs148946496) and ClinVar (classified as benign by Invitae and Illumina). The variant was identified in control databases in 286 of 281714 chromosomes at a frequency of 0.001015, and was observed at the highest frequency in the African population in 240 of 24866 chromosomes (freq: 0.009652) (Genome Aggregation Database March 6, 2019, v2.1.1). The p.G116 residue is not conserved in mammals and computational analyses (MUT Assesor, PolyPhen-2, SIFT, MutationTaster, Revel, FATHMM, MetaLR, DANN) do not suggest a high likelihood of impact to the protein; this information is not very predictive of pathogenicity. The variant occurs outside of the splicing consensus sequence and in silico or computational prediction software programs (Splice AI exome, Splice AI genome) do not predict a difference in splicing. In summary, based on the above information the clinical significance of this variant cannot be determined with certainty at this time although we would lean towards a more benign role for this variant. This variant is classified as likely benign.

Dr. Peter K. Rogan Lab, Western University
No classification provided (evidence only). Condition: Familial cancer of breast. Review status: no classification provided. Collection method: in vitro. Allele origin: not applicable. Functional consequence: retained intron. Not counted in ClinVar's aggregate classification.

Dr. Peter K. Rogan Lab, Western University
No classification provided (evidence only). Condition: Cervical cancer. Review status: no classification provided. Collection method: in vitro. Allele origin: not applicable. Functional consequence: retained intron. Not counted in ClinVar's aggregate classification.

Dr. Peter K. Rogan Lab, Western University
No classification provided (evidence only). Condition: Cholangiocarcinoma. Review status: no classification provided. Collection method: in vitro. Allele origin: not applicable. Functional consequence: retained intron. Not counted in ClinVar's aggregate classification.

Joint Genome Diagnostic Labs from Nijmegen and Maastricht, Radboudumc and MUMC+
Classification: Likely benign. Review status: no assertion criteria provided. Collection method: clinical testing. Allele origin: germline. Affected: yes. Study: VKGL Data-share Consensus. Not counted in ClinVar's aggregate classification.

Laboratory of Diagnostic Genome Analysis, Leiden University Medical Center (LUMC)
Classification: Likely benign. Review status: no assertion criteria provided. Collection method: clinical testing. Allele origin: germline. Affected: yes. Study: VKGL Data-share Consensus. Not counted in ClinVar's aggregate classification.

Literature cited by the submitters: PubMed 7951228 (cited by Illumina Laboratory Services, Illumina).

NM_000203.5(IDUA):c.346G>A (p.Gly116Arg)

Gene: IDUA (alpha-L-iduronidase; plus strand). Cytogenetic location: 4p16.3.
Variant type: single nucleotide variant.
Coding change: c.346G>A on transcript NM_000203.5 (MANE Select); coding-DNA position 346, G replaced by A.
Protein change: p.Gly116Arg; replaces glycine 116 with arginine.
Molecular consequence: missense variant. On other transcripts: 5 prime UTR variant (1), non-coding transcript variant (1).
Genome position (GRCh38, 1-based): chr4:1,000,658, G>A. VCF-style: chr4-1000658-G-A. GRCh37 (hg19) VCF-style: chr4-994446-G-A.
Other names: NM_000203.5(IDUA):c.346G>A; p.Gly116Arg; c.-51G>A (NM_001363576.1); short protein forms G116R.
Identifiers: ClinVar variation 712837 (VCV000712837.51), dbSNP rs148946496, ClinGen allele CA2801880.